The following is an entry in ClinVar:

ClinVar aggregate classification (germline): Uncertain significance. Review status: criteria provided, multiple submitters, no conflicts (2 of 4 stars). 3 submissions from 3 submitters: Uncertain significance (3). Last evaluated 2025-02-17.

Conditions:
Inborn genetic diseases. Identifiers: MedGen C0950123, MeSH D030342.

Allele frequency attached by ClinVar (database versions not stated): ExAC 0.00005; TOPMed 0.00009; gnomAD 0.00013 and 0.00014; gnomAD exomes 0.00002 and 0.00001; 1000 Genomes Project 30x 0.00016; 1000 Genomes Project 0.00020.
gnomAD v4.1: 30 of 1,600,806 alleles (0.0019%); highest among the groups gnomAD compares: African/African-American, 0.04%; no homozygotes.

Submissions (3):

Labcorp Genetics (formerly Invitae), Labcorp
Classification: Uncertain significance. Last evaluated: 2025-02-17. Review status: criteria provided, single submitter. Criteria: Invitae Variant Classification Sherloc (09022015). Collection method: clinical testing. Allele origin: germline.
Comment: This sequence change replaces phenylalanine, which is neutral and non-polar, with leucine, which is neutral and non-polar, at codon 133 of the PITX3 protein (p.Phe133Leu). This variant is present in population databases (rs568438692, gnomAD 0.07%), and has an allele count higher than expected for a pathogenic variant. This variant has not been reported in the literature in individuals affected with PITX3-related conditions. ClinVar contains an entry for this variant (Variation ID: 1306042). An algorithm developed to predict the effect of missense changes on protein structure and function (PolyPhen-2) suggests that this variant is likely to be disruptive. In summary, the available evidence is currently insufficient to determine the role of this variant in disease. Therefore, it has been classified as a Variant of Uncertain Significance.

GeneDx
Classification: Uncertain significance. Last evaluated: 2024-04-02. Review status: criteria provided, single submitter. Criteria: GeneDx Variant Classification Process June 2021. Collection method: clinical testing. Allele origin: germline. Affected: yes.
Comment: In silico analysis, which includes protein predictors and evolutionary conservation, supports a deleterious effect; Has not been previously published as pathogenic or benign to our knowledge

Ambry Genetics
Classification: Uncertain significance for Inborn genetic diseases. Last evaluated: 2023-12-28. Review status: criteria provided, single submitter. Criteria: Ambry Variant Classification Scheme 2023. Collection method: clinical testing. Allele origin: germline.

NM_005029.4(PITX3):c.397T>C (p.Phe133Leu)

Genes: GBF1 (golgi brefeldin A resistant guanine nucleotide exchange factor 1; plus strand), PITX3 (paired like homeodomain 3; minus strand). Cytogenetic location: 10q24.32.
Variant type: single nucleotide variant.
Coding change: c.397T>C on transcript NM_005029.4 (MANE Select); coding-DNA position 397, T replaced by C.
Protein change: p.Phe133Leu; replaces phenylalanine 133 with leucine.
Molecular consequence: missense variant. On other transcripts: intron variant (2).
Genome position (GRCh38, 1-based): chr10:102,231,026, A>G on the plus strand (T>C on the coding strand, the complement: PITX3 is on the minus strand). VCF-style: chr10-102231026-A-G. GRCh37 (hg19) VCF-style: chr10-103990783-A-G.
Other names: c.-149+110A>G (NM_001391924.1); c.-11+110A>G (NM_001391923.1); short protein forms F133L.
Identifiers: ClinVar variation 1306042 (VCV001306042.9), dbSNP rs568438692, ClinGen allele CA5662737.